The following is an entry in ClinVar:

ClinVar aggregate classification (germline): Likely pathogenic (1 of 4 stars; one submission).

Conditions:
Tyrosinemia type I (TYRSN1). Also called: Tyrosinemia type 1; Fumarylacetoacetase deficiency; Deficiency of fumarylacetoacetase; HEPATORENAL TYROSINEMIA; FAH DEFICIENCY. Identifiers: Orphanet 882, MedGen C0268490, MONDO:0010161, OMIM 276700. Disease mechanism: loss of function.

Submission:

Natera, Inc.
Classification: Likely pathogenic for Tyrosinemia type I. Last evaluated: 2024-03-25. Review status: criteria provided, single submitter. Criteria: Natera Variant Classification Schema (03/2026). Collection method: clinical testing. Allele origin: germline.
Comment: The c.1226delC variant in FAH is a frameshift variant predicted to elongate the protein beyond the termination codon. This variant is expected to result in nonsense mediated decay, truncation, or a dysfunctional protein product. This variant is rare in the general population with a frequency below the threshold expected for the associated phenotype(s). Given the available evidence, this variant is classified as Likely Pathogenic.

NM_000137.4(FAH):c.1226del (p.Ala409fs)

Gene: FAH (fumarylacetoacetate hydrolase; plus strand). Cytogenetic location: 15q25.1.
Variant type: Deletion.
Coding change: c.1226del on transcript NM_000137.4 (MANE Select); coding-DNA position 1226, one base deleted (C; older notation c.1226delC).
Protein change: p.Ala409fs; shifts the reading frame from alanine 409.
Molecular consequence: frameshift variant.
Genome position (GRCh38, 1-based): chr15:80,186,175, C deleted. VCF-style (leftmost placement, unchanged base first): chr15-80186174-GC-G. GRCh37 (hg19) VCF-style: chr15-80478516-GC-G.
Other names: c.1226del, p.Ala409fs (NM_001374377.1, NM_001374380.1); short protein forms A409fs.
Identifiers: ClinVar variation 4817555 (VCV004817555.1).
Genomic context (GRCh38, chr15:80,186,174, plus strand): 5'-TCCTCCTCTGTTCCAGGGTACTGCCAGGGGGATGGTTACCGCATCGGCTTTGGCCAGTGT[GC>G]TGGAAAAGTGCTGCCTGCTCTCCTGCCATCATGAGATTTTCTCTGCTCTTCTGGAAACAA-3'